The following is an entry in ClinVar:

NM_000245.4(MET):c.3222T>C (p.Ser1074=)

Gene: MET (MET proto-oncogene, receptor tyrosine kinase; plus strand). Cytogenetic location: 7q31.2.
Variant type: single nucleotide variant.
Coding change: c.3222T>C on transcript NM_000245.4 (MANE Select); coding-DNA position 3222, T replaced by C.
Protein change: p.Ser1074=; no amino-acid change (serine 1074 retained).
Molecular consequence: synonymous variant.
Genome position (GRCh38, 1-based): chr7:116,775,074, T>C. VCF-style: chr7-116775074-T-C. GRCh37 (hg19) VCF-style: chr7-116415128-T-C.
Other names: c.3276T>C, p.Ser1092= (NM_001127500.3); c.1932T>C, p.Ser644= (NM_001324402.2).
Identifiers: ClinVar variation 1141705 (VCV001141705.12), dbSNP rs2117031958, ClinGen allele CA457218464.

ClinVar aggregate classification (germline): Benign/Likely benign. Review status: criteria provided, multiple submitters, no conflicts (2 of 4 stars). 3 submissions from 3 submitters: Benign (1); Likely benign (2). Last evaluated 2024-11-13.

Conditions:
Hereditary cancer-predisposing syndrome. Also called: Hereditary Cancer Syndrome; Neoplastic Syndromes, Hereditary; Hereditary neoplastic syndrome; Tumor predisposition. Identifiers: Orphanet 140162, MedGen C0027672, MeSH D009386, MONDO:0015356.
Papillary renal cell carcinoma type 1 (RCCP1). Also called: RENAL CELL CARCINOMA, PAPILLARY, 1, SOMATIC; Renal adenocarcinoma; Renal cell carcinoma 1; Renal cell carcinoma, somatic. Identifiers: Orphanet 47044, MedGen C1336839, OMIM 605074, HP:0011797.
Renal cell carcinoma. Identifiers: Orphanet 217071, MedGen C0007134, MeSH D002292, MONDO:0005086, HP:0005584.

Allele frequency attached by ClinVar (database versions not stated): gnomAD exomes below 0.00001.
gnomAD v4.1: 3 of 1,614,198 alleles (0.00019%); highest among the groups gnomAD compares: Non-Finnish European, 0.00025%; no homozygotes.

Submissions (3):

Myriad Genetics, Inc.
Classification: Benign for Papillary renal cell carcinoma type 1. Last evaluated: 2024-11-13. Review status: criteria provided, single submitter. Criteria: Myriad Autosomal Dominant, Autosomal Recessive and X-Linked Classification Criteria (2023). Collection method: clinical testing. Allele origin: unknown.
Comment: This variant is considered benign. This variant is a silent/synonymous amino acid change and it is not expected to impact splicing.

Labcorp Genetics (formerly Invitae), Labcorp
Classification: Likely benign for Renal cell carcinoma. Last evaluated: 2024-09-02. Review status: criteria provided, single submitter. Criteria: Invitae Variant Classification Sherloc (09022015). Collection method: clinical testing. Allele origin: germline.

Ambry Genetics
Classification: Likely benign for Hereditary cancer-predisposing syndrome. Last evaluated: 2022-09-18. Review status: criteria provided, single submitter. Criteria: Ambry Variant Classification Scheme 2023. Collection method: clinical testing. Allele origin: germline.